The following is an entry in ClinVar:

ClinVar aggregate classification (germline): Uncertain significance (1 of 4 stars; one submission).

Conditions:
Myofibrillar myopathy 5. Also called: FILAMINOPATHY, AUTOSOMAL DOMINANT; Filaminopathy (type). Identifiers: Orphanet 171445, MedGen C1836050, MONDO:0012289, OMIM 609524.
Distal myopathy with posterior leg and anterior hand involvement. Also called: WILLIAMS DISTAL MYOPATHY. Identifiers: Orphanet 63273, MedGen C3279722, MONDO:0013550, OMIM 614065.
Hypertrophic cardiomyopathy 26. Also called: Cardiomyopathy, familial hypertrophic, 26. Identifiers: Orphanet 75249, MedGen C4310749, MONDO:0014883, OMIM 617047.

Submission:

Labcorp Genetics (formerly Invitae), Labcorp
Classification: Uncertain significance for Distal myopathy with posterior leg and anterior hand involvement; Myofibrillar myopathy 5; Hypertrophic cardiomyopathy 26. Last evaluated: 2018-10-23. Review status: criteria provided, single submitter. Criteria: Invitae Variant Classification Sherloc (09022015). Collection method: clinical testing. Allele origin: germline.
Comment: This sequence change replaces valine with glycine at codon 1965 of the FLNC protein (p.Val1965Gly). The valine residue is highly conserved and there is a moderate physicochemical difference between valine and glycine. In summary, the available evidence is currently insufficient to determine the role of this variant in disease. Therefore, it has been classified as a Variant of Uncertain Significance. Algorithms developed to predict the effect of missense changes on protein structure and function are either unavailable or do not agree on the potential impact of this missense change (SIFT: "Deleterious"; PolyPhen-2: "Probably Damaging"; Align-GVGD: "Class C0"). This variant has not been reported in the literature in individuals with FLNC-related disease. This variant is not present in population databases (ExAC no frequency).

NM_001458.5(FLNC):c.5894T>G (p.Val1965Gly)

Genes: FLNC-AS1 (FLNC antisense RNA 1; minus strand), FLNC (filamin C; plus strand). Cytogenetic location: 7q32.1.
Variant type: single nucleotide variant.
Coding change: c.5894T>G on transcript NM_001458.5 (MANE Select); coding-DNA position 5894, T replaced by G.
Protein change: p.Val1965Gly; replaces valine 1965 with glycine.
Molecular consequence: missense variant.
Genome position (GRCh38, 1-based): chr7:128,852,642, T>G. VCF-style: chr7-128852642-T-G. GRCh37 (hg19) VCF-style: chr7-128492696-T-G.
Other names: c.5795T>G, p.Val1932Gly (NM_001127487.2); short protein forms V1932G, V1965G.
Identifiers: ClinVar variation 665267 (VCV000665267.9), dbSNP rs1585167670, ClinGen allele CA369209052.